The following is an entry in ClinVar:

NM_015102.5(NPHP4):c.1489C>A (p.Pro497Thr)

Gene: NPHP4 (nephrocystin 4; minus strand). Cytogenetic location: 1p36.31.
Variant type: single nucleotide variant.
Coding change: c.1489C>A on transcript NM_015102.5 (MANE Select); coding-DNA position 1489, C replaced by A.
Protein change: p.Pro497Thr; replaces proline 497 with threonine.
Molecular consequence: missense variant. On other transcripts: non-coding transcript variant (1), intron variant (2).
Genome position (GRCh38, 1-based): chr1:5,909,166, G>T on the plus strand (C>A on the coding strand, the complement: NPHP4 is on the minus strand). VCF-style: chr1-5909166-G-T. GRCh37 (hg19) VCF-style: chr1-5969226-G-T.
Other names: c.76-3383C>A (NM_001291594.2); c.76-3386C>A (NM_001291593.2); short protein forms P497T.
Identifiers: ClinVar variation 2417987 (VCV002417987.6), dbSNP rs1645056178, ClinGen allele CA338057607.
Genomic context (GRCh38, chr1:5,909,166, plus strand): 5'-ATTGACTCTGGAATTCTGAAGGAGGCCGTGGGGGGCCTGGACTTACCCCTGGTCCCACAG[G>T]TGAGTTCTGCGGGGCAGCGAGAACTCGAGGTACTGGCGCTGGCGGGCCTGGGAGGAAGCA-3'
Protein context (NP_055917.1, residues 487-507): PRVLAAPQNS[Pro497Thr]VGPGLSISQL

ClinVar aggregate classification (germline): Uncertain significance (1 of 4 stars; one submission).

Conditions:
Nephronophthisis. Also called: Juvenile Nephronophthisis. Identifiers: Orphanet 655, MedGen C0687120, MONDO:0019005, HP:0000090.

Submission:

Labcorp Genetics (formerly Invitae), Labcorp
Classification: Uncertain significance for Nephronophthisis. Last evaluated: 2022-05-19. Review status: criteria provided, single submitter. Criteria: Invitae Variant Classification Sherloc (09022015). Collection method: clinical testing. Allele origin: germline.
Comment: This sequence change replaces proline, which is neutral and non-polar, with threonine, which is neutral and polar, at codon 497 of the NPHP4 protein (p.Pro497Thr). This variant is not present in population databases (gnomAD no frequency). This variant has not been reported in the literature in individuals affected with NPHP4-related conditions. Algorithms developed to predict the effect of missense changes on protein structure and function are either unavailable or do not agree on the potential impact of this missense change (SIFT: "Tolerated"; PolyPhen-2: "Possibly Damaging"; Align-GVGD: "Class C0"). In summary, the available evidence is currently insufficient to determine the role of this variant in disease. Therefore, it has been classified as a Variant of Uncertain Significance.